The following is an entry in ClinVar:

NM_005592.4(MUSK):c.1927+50T>C

Gene: MUSK (muscle associated receptor tyrosine kinase; plus strand). Cytogenetic location: 9q31.3.
Variant type: single nucleotide variant.
Coding change: c.1927+50T>C on transcript NM_005592.4 (MANE Select); 50 bases into the intron after coding-DNA position 1927, T replaced by C.
Molecular consequence: intron variant.
Genome position (GRCh38, 1-based): chr9:110,787,888, T>C. VCF-style: chr9-110787888-T-C. GRCh37 (hg19) VCF-style: chr9-113550168-T-C.
Other names: c.1669+50T>C (NM_001166280.2); c.1639+50T>C (NM_001166281.2); c.667+50T>C (NM_001369398.1).
Identifiers: ClinVar variation 259804 (VCV000259804.3), dbSNP rs2766999, ClinGen allele CA5184514.

ClinVar aggregate classification (germline): Benign. Review status: criteria provided, multiple submitters, no conflicts (2 of 4 stars). 3 submissions from 3 submitters: Benign (3). Last evaluated 2018-06-16.

Allele frequency attached by ClinVar (database versions not stated): 1000 Genomes Project 0.37660; 1000 Genomes Project 30x 0.38210; TOPMed 0.46369; gnomAD 0.47117 and 0.48056; gnomAD exomes 0.46166; ESP Exome Variant Server 0.48034; ExAC 0.48648.
gnomAD v4.1: 723,660 of 1,563,634 alleles (46%); highest among the groups gnomAD compares: Middle Eastern, 55%; 172,184 homozygotes.

Submissions (3):

GeneDx
Classification: Benign. Last evaluated: 2018-06-16. Review status: criteria provided, single submitter. Criteria: GeneDx Variant Classification (06012015). Collection method: clinical testing. Allele origin: germline. Affected: yes.
Comment: This variant is considered likely benign or benign based on one or more of the following criteria: it is a conservative change, it occurs at a poorly conserved position in the protein, it is predicted to be benign by multiple in silico algorithms, and/or has population frequency not consistent with disease.

Breakthrough Genomics
Classification: Benign. Review status: criteria provided, single submitter. Criteria: ACMG Guidelines, 2015. Collection method: not provided. Allele origin: germline. Inheritance: Autosomal recessive inheritance. Affected: yes.

PreventionGenetics, part of Exact Sciences
Classification: Benign. Review status: criteria provided, single submitter. Criteria: ACMG Guidelines, 2015. Collection method: clinical testing. Allele origin: germline.